The following is an entry in ClinVar:

ClinVar aggregate classification (germline): Uncertain significance (1 of 4 stars; one submission).

Allele frequency attached by ClinVar (database versions not stated): gnomAD 0.00001; TOPMed 0.00001.
gnomAD v4.1: 1 of 1,613,314 alleles (0.000062%); highest among the groups gnomAD compares: African/African-American, 0.0013%; no homozygotes.

Submission:

Labcorp Genetics (formerly Invitae), Labcorp
Classification: Uncertain significance. Last evaluated: 2022-07-19. Review status: criteria provided, single submitter. Criteria: Invitae Variant Classification Sherloc (09022015). Collection method: clinical testing. Allele origin: germline.
Comment: In summary, the available evidence is currently insufficient to determine the role of this variant in disease. Therefore, it has been classified as a Variant of Uncertain Significance. Algorithms developed to predict the effect of missense changes on protein structure and function are either unavailable or do not agree on the potential impact of this missense change (SIFT: "Deleterious"; PolyPhen-2: "Not Available"; Align-GVGD: "Class C0"). ClinVar contains an entry for this variant (Variation ID: 1522573). This variant has not been reported in the literature in individuals affected with RUSC2-related conditions. This variant is present in population databases (no rsID available, gnomAD 0.01%). This sequence change replaces proline, which is neutral and non-polar, with arginine, which is basic and polar, at codon 1509 of the RUSC2 protein (p.Pro1509Arg).

NM_014806.5(RUSC2):c.4526C>G (p.Pro1509Arg)

Gene: RUSC2 (RUN and SH3 domain containing 2; plus strand). Cytogenetic location: 9p13.3.
Variant type: single nucleotide variant.
Coding change: c.4526C>G on transcript NM_014806.5 (MANE Select); coding-DNA position 4526, C replaced by G.
Protein change: p.Pro1509Arg; replaces proline 1509 with arginine.
Molecular consequence: missense variant. On other transcripts: non-coding transcript variant (1).
Genome position (GRCh38, 1-based): chr9:35,561,357, C>G. VCF-style: chr9-35561357-C-G. GRCh37 (hg19) VCF-style: chr9-35561354-C-G.
Other names: c.4526C>G, p.Pro1509Arg (NM_001135999.2); c.1892C>G, p.Pro631Arg (NM_001330740.2); short protein forms P1509R, P631R.
Identifiers: ClinVar variation 1522573 (VCV001522573.8), dbSNP rs904007686, ClinGen allele CA192761160.